The following is an entry in ClinVar:

NM_006648.4(WNK2):c.2570A>G (p.Gln857Arg)

Gene: WNK2 (WNK lysine deficient protein kinase 2; plus strand). Cytogenetic location: 9q22.31.
Variant type: single nucleotide variant.
Coding change: c.2570A>G on transcript NM_006648.4 (MANE Select); coding-DNA position 2570, A replaced by G.
Protein change: p.Gln857Arg; replaces glutamine 857 with arginine.
Molecular consequence: missense variant.
Genome position (GRCh38, 1-based): chr9:93,259,118, A>G. VCF-style: chr9-93259118-A-G. GRCh37 (hg19) VCF-style: chr9-96021400-A-G.
Other names: c.2570A>G, p.Gln857Arg (NM_001282394.3); short protein forms Q857R.
Identifiers: ClinVar variation 3816804 (VCV003816804.1).

ClinVar aggregate classification (germline): Uncertain significance (1 of 4 stars; one submission).

Submission:

Ambry Genetics
Classification: Uncertain significance. Last evaluated: 2025-01-11. Review status: criteria provided, single submitter. Criteria: Ambry Variant Classification Scheme 2023. Collection method: clinical testing. Allele origin: germline.
Comment: The p.Q857R variant (also known as c.2570A>G), located in coding exon 11 of the WNK2 gene, results from an A to G substitution at nucleotide position 2570. The glutamine at codon 857 is replaced by arginine, an amino acid with highly similar properties. This amino acid position is conserved. In addition, the in silico prediction for this alteration is inconclusive. Based on the available evidence, the clinical significance of this variant remains unclear.